The following is an entry in ClinVar:

ClinVar aggregate classification (germline): Uncertain significance (1 of 4 stars; one submission).

Conditions:
Familial cold autoinflammatory syndrome 2 (FCAS2). Identifiers: Orphanet 247868, MedGen C2673198, MONDO:0012724, OMIM 611762.

Allele frequency attached by ClinVar (database versions not stated): gnomAD exomes below 0.00001; TOPMed below 0.00001; ExAC 0.00001; gnomAD 0.00001.
gnomAD v4.1: 6 of 1,613,936 alleles (0.00037%); highest among the groups gnomAD compares: Non-Finnish European, 0.00051%; no homozygotes.

Submission:

Labcorp Genetics (formerly Invitae), Labcorp
Classification: Uncertain significance for Familial cold autoinflammatory syndrome 2. Last evaluated: 2024-01-07. Review status: criteria provided, single submitter. Criteria: Invitae Variant Classification Sherloc (09022015). Collection method: clinical testing. Allele origin: germline.
Comment: This sequence change replaces proline, which is neutral and non-polar, with leucine, which is neutral and non-polar, at codon 740 of the NLRP12 protein (p.Pro740Leu). This variant is not present in population databases (gnomAD no frequency). This variant has not been reported in the literature in individuals affected with NLRP12-related conditions. ClinVar contains an entry for this variant (Variation ID: 844355). An algorithm developed to predict the effect of missense changes on protein structure and function (PolyPhen-2) suggests that this variant is likely to be disruptive. In summary, the available evidence is currently insufficient to determine the role of this variant in disease. Therefore, it has been classified as a Variant of Uncertain Significance.

NM_144687.4(NLRP12):c.2219C>T (p.Pro740Leu)

Gene: NLRP12 (NLR family pyrin domain containing 12; minus strand). Cytogenetic location: 19q13.42.
Variant type: single nucleotide variant.
Coding change: c.2219C>T on transcript NM_144687.4 (MANE Select); coding-DNA position 2219, C replaced by T.
Protein change: p.Pro740Leu; replaces proline 740 with leucine.
Molecular consequence: missense variant.
Genome position (GRCh38, 1-based): chr19:53,807,519, G>A on the plus strand (C>T on the coding strand, the complement: NLRP12 is on the minus strand). VCF-style: chr19-53807519-G-A. GRCh37 (hg19) VCF-style: chr19-54310773-G-A.
Other names: c.2222C>T, p.Pro741Leu (NM_001277126.2); c.2219C>T, p.Pro740Leu (NM_001277129.1); short protein forms P741L, P740L.
Identifiers: ClinVar variation 844355 (VCV000844355.9), dbSNP rs770328920, ClinGen allele CA9639185.